The following is an entry in ClinVar:

ClinVar aggregate classification (germline): Uncertain significance (1 of 4 stars; one submission).

Submission:

Labcorp Genetics (formerly Invitae), Labcorp
Classification: Uncertain significance. Last evaluated: 2024-08-06. Review status: criteria provided, single submitter. Criteria: Invitae Variant Classification Sherloc (09022015). Collection method: clinical testing. Allele origin: germline.
Comment: This sequence change creates a premature translational stop signal (p.His753Metfs*12) in the GUCY2C gene. It is expected to result in an absent or disrupted protein product. However, the current clinical and genetic evidence is not sufficient to establish whether loss-of-function variants in GUCY2C cause disease. This variant is present in population databases (rs769379377, gnomAD 0.003%). This variant has not been reported in the literature in individuals affected with GUCY2C-related conditions. In summary, the available evidence is currently insufficient to determine the role of this variant in disease. Therefore, it has been classified as a Variant of Uncertain Significance.

NM_004963.4(GUCY2C):c.2256del (p.His753fs)

Gene: GUCY2C (guanylate cyclase 2C; minus strand). Cytogenetic location: 12p12.3.
Variant type: Deletion.
Coding change: c.2256del on transcript NM_004963.4 (MANE Select); coding-DNA position 2256, one base deleted (T; older notation c.2256delT).
Protein change: p.His753fs; shifts the reading frame from histidine 753.
Molecular consequence: frameshift variant.
Genome position (GRCh38, 1-based): chr12:14,625,909, A deleted on the plus strand (T on the coding strand, the reverse complement: GUCY2C is on the minus strand); the first of 5 consecutive A bases (chr12:14,625,909-14,625,913); deleting any one gives the same sequence. VCF-style (leftmost placement, unchanged base first): chr12-14625908-GA-G. GRCh37 (hg19) VCF-style: chr12-14778842-GA-G.
Other names: short protein forms H753fs.
Identifiers: ClinVar variation 3675046 (VCV003675046.2).